The following is an entry in ClinVar:

NM_001367534.1(CAMK2G):c.1278C>G (p.Ser426Arg)

Gene: CAMK2G (calcium/calmodulin dependent protein kinase II gamma; minus strand). Cytogenetic location: 10q22.2.
Variant type: single nucleotide variant.
Coding change: c.1278C>G on transcript NM_001367534.1 (MANE Select); coding-DNA position 1278, C replaced by G.
Protein change: p.Ser426Arg; replaces serine 426 with arginine.
Molecular consequence: missense variant. On other transcripts: non-coding transcript variant (4), intron variant (19).
Genome position (GRCh38, 1-based): chr10:73,819,617, G>C on the plus strand (C>G on the coding strand, the complement: CAMK2G is on the minus strand). VCF-style: chr10-73819617-G-C. GRCh37 (hg19) VCF-style: chr10-75579375-G-C.
Other names: c.1209C>G, p.Ser403Arg (NM_001320898.2, NM_001367546.1, NM_001367547.1); c.1158C>G, p.Ser386Arg (NM_001367514.1, NM_001367525.1); c.1146C>G, p.Ser382Arg (NM_001367518.1, NM_001367522.1); c.1140C>G, p.Ser380Arg (NM_001367520.1, NM_001367533.1); c.963C>G, p.Ser321Arg (NM_001367524.1); c.1182C>G, p.Ser394Arg (NM_001367526.1, NM_172171.3); c.1176C>G, p.Ser392Arg (NM_001367527.1); c.1113C>G, p.Ser371Arg (NM_001367528.1, NM_001367545.1); and 18 more; short protein forms A385G, S164R, S267R, S312R, S321R, S371R, S380R, S382R.
Identifiers: ClinVar variation 3336474 (VCV003336474.1).

ClinVar aggregate classification (germline): Uncertain significance (1 of 4 stars; one submission).

gnomAD v4.1: 3 of 1,545,806 alleles (0.00019%); highest among the groups gnomAD compares: Non-Finnish European, 0.00026%; no homozygotes.

Submission:

Women's Health and Genetics/Laboratory Corporation of America, LabCorp
Classification: Uncertain significance. Last evaluated: 2024-05-21. Review status: criteria provided, single submitter. Criteria: LabCorp Variant Classification Summary - May 2015. Collection method: clinical testing. Allele origin: germline.
Comment: Variant summary: CAMK2G c.1182C>G (p.Ser394Arg) results in a non-conservative amino acid change in the encoded protein sequence. Three of five in-silico tools predict a benign effect of the variant on protein function. The variant was absent in 151392 control chromosomes. The available data on variant occurrences in the general population are insufficient to allow any conclusion about variant significance. To our knowledge, no occurrence of c.1182C>G in individuals affected with Intellectual Developmental Disorder 59 and no experimental evidence demonstrating its impact on protein function have been reported. No submitters have cited clinical-significance assessments for this variant to ClinVar. Based on the evidence outlined above, the variant was classified as uncertain significance.